The following is an entry in ClinVar:

ClinVar aggregate classification (germline): Uncertain significance (1 of 4 stars; one submission).

Submission:

GeneDx
Classification: Uncertain significance. Last evaluated: 2024-05-06. Review status: criteria provided, single submitter. Criteria: GeneDx Variant Classification Process June 2021. Collection method: clinical testing. Allele origin: germline. Affected: yes.
Comment: Not observed at significant frequency in large population cohorts (gnomAD); In silico analysis supports that this missense variant has a deleterious effect on protein structure/function; Has not been previously published as pathogenic or benign to our knowledge

NM_004370.6(COL12A1):c.8411A>G (p.Glu2804Gly)

Gene: COL12A1 (collagen type XII alpha 1 chain; minus strand). Cytogenetic location: 6q13.
Variant type: single nucleotide variant.
Coding change: c.8411A>G on transcript NM_004370.6 (MANE Select); coding-DNA position 8411, A replaced by G.
Protein change: p.Glu2804Gly; replaces glutamic acid 2804 with glycine.
Molecular consequence: missense variant.
Genome position (GRCh38, 1-based): chr6:75,102,601, T>C on the plus strand (A>G on the coding strand, the complement: COL12A1 is on the minus strand). VCF-style: chr6-75102601-T-C. GRCh37 (hg19) VCF-style: chr6-75812317-T-C.
Other names: c.8411A>G, p.Glu2804Gly (NM_001424113.1); c.8390A>G, p.Glu2797Gly (NM_001424114.1); c.8138A>G, p.Glu2713Gly (NM_001424115.1); c.4919A>G, p.Glu1640Gly (NM_001424116.1, NM_080645.3); short protein forms E1640G, E2713G, E2797G, E2804G.
Identifiers: ClinVar variation 3376057 (VCV003376057.1).